The following is an entry in ClinVar:

NM_004974.4(KCNA2):c.862A>T (p.Met288Leu)

Gene: KCNA2 (potassium voltage-gated channel subfamily A member 2; minus strand). Cytogenetic location: 1p13.3.
Variant type: single nucleotide variant.
Coding change: c.862A>T on transcript NM_004974.4 (MANE Select); coding-DNA position 862, A replaced by T.
Protein change: p.Met288Leu; replaces methionine 288 with leucine.
Molecular consequence: missense variant.
Genome position (GRCh38, 1-based): chr1:110,603,921, T>A on the plus strand (A>T on the coding strand, the complement: KCNA2 is on the minus strand). VCF-style: chr1-110603921-T-A. GRCh37 (hg19) VCF-style: chr1-111146543-T-A.
Other names: c.862A>T, p.Met288Leu (NM_001204269.2); short protein forms M288L.
Identifiers: ClinVar variation 3654078 (VCV003654078.2).

ClinVar aggregate classification (germline): Uncertain significance (1 of 4 stars; one submission).

Conditions:
Developmental and epileptic encephalopathy, 32 (DEE32). Also called: Epileptic encephalopathy, early infantile, 32. Identifiers: Orphanet 442835, MedGen C4225350, MONDO:0014607, OMIM 616366.

Submission:

Labcorp Genetics (formerly Invitae), Labcorp
Classification: Uncertain significance for Developmental and epileptic encephalopathy, 32. Last evaluated: 2024-05-21. Review status: criteria provided, single submitter. Criteria: Invitae Variant Classification Sherloc (09022015). Collection method: clinical testing. Allele origin: germline.
Comment: This sequence change replaces methionine, which is neutral and non-polar, with leucine, which is neutral and non-polar, at codon 288 of the KCNA2 protein (p.Met288Leu). This variant is not present in population databases (gnomAD no frequency). This variant has not been reported in the literature in individuals affected with KCNA2-related conditions. Advanced modeling of protein sequence and biophysical properties (such as structural, functional, and spatial information, amino acid conservation, physicochemical variation, residue mobility, and thermodynamic stability) performed at Invitae indicates that this missense variant is not expected to disrupt KCNA2 protein function with a negative predictive value of 80%. In summary, the available evidence is currently insufficient to determine the role of this variant in disease. Therefore, it has been classified as a Variant of Uncertain Significance.